The following is an entry in ClinVar:

NM_000075.4(CDK4):c.126A>G (p.Gly42=)

Genes: CDK4 (cyclin dependent kinase 4; minus strand), LOC130008148 (ATAC-STARR-seq lymphoblastoid silent region 4588; plus strand). Cytogenetic location: 12q14.1.
Variant type: single nucleotide variant.
Coding change: c.126A>G on transcript NM_000075.4 (MANE Select); coding-DNA position 126, A replaced by G.
Protein change: p.Gly42=; no amino-acid change (glycine 42 retained).
Molecular consequence: synonymous variant.
Genome position (GRCh38, 1-based): chr12:57,751,592, T>C on the plus strand (A>G on the coding strand, the complement: CDK4 is on the minus strand). VCF-style: chr12-57751592-T-C. GRCh37 (hg19) VCF-style: chr12-58145375-T-C.
Other names: c.126A>G (NM_000075.3).
Identifiers: ClinVar variation 3379292 (VCV003379292.4).
Genomic context (GRCh38, chr12:57,751,592, plus strand): 5'-TCGCCTCAGTAAAGCCACCTCACGAACTGTGCTGATGGGAAGGCCTCCTCCACCTCCTCC[T>C]CCATTGGGGACTCTCACACTCTTGAGGGCCACAAAGTGGCCACTGTGGGGATCACGGGCC-3'
Protein context (NP_000066.1, residues 32-52): VALKSVRVPN[Gly42=]GGGGGGLPIS

ClinVar aggregate classification (germline): Conflicting classifications of pathogenicity. Review status: criteria provided, conflicting classifications (1 of 4 stars). 3 submissions from 3 submitters: Uncertain significance (1); Benign (1); Likely benign (1). Last evaluated 2025-02-24.

Conditions:
Hereditary cancer-predisposing syndrome. Also called: Neoplastic Syndromes, Hereditary; Tumor predisposition; Hereditary Cancer Syndrome; Hereditary neoplastic syndrome. Identifiers: Orphanet 140162, MedGen C0027672, MeSH D009386, MONDO:0015356.
Melanoma, cutaneous malignant, susceptibility to, 3. Also called: Cutaneous malignant melanoma 3. Identifiers: Orphanet 618, MedGen C1836892, MONDO:0012183, OMIM 609048.
Familial melanoma. Also called: Hereditary melanoma; Hereditary cutaneous melanoma. Identifiers: Orphanet 618, MedGen C1512419, MONDO:0018961.

Submissions (3):

Ambry Genetics
Classification: Likely benign for Hereditary cancer-predisposing syndrome. Last evaluated: 2025-02-24. Review status: criteria provided, single submitter. Criteria: Ambry Variant Classification Scheme 2023. Collection method: clinical testing. Allele origin: germline.

Myriad Genetics, Inc.
Classification: Benign for Melanoma, cutaneous malignant, susceptibility to, 3. Last evaluated: 2024-09-24. Review status: criteria provided, single submitter. Criteria: Myriad Autosomal Dominant, Autosomal Recessive and X-Linked Classification Criteria (2023). Collection method: clinical testing. Allele origin: unknown.
Comment: This variant is considered benign. This variant is a silent/synonymous amino acid change and it is not expected to impact splicing.

Labcorp Genetics (formerly Invitae), Labcorp
Classification: Uncertain significance for Familial melanoma. Last evaluated: 2024-02-11. Review status: criteria provided, single submitter. Criteria: Invitae Variant Classification Sherloc (09022015). Collection method: clinical testing. Allele origin: germline.
Comment: This sequence change affects codon 42 of the CDK4 mRNA. It is a 'silent' change, meaning that it does not change the encoded amino acid sequence of the CDK4 protein. This variant is not present in population databases (gnomAD no frequency). This variant has not been reported in the literature in individuals affected with CDK4-related conditions. Algorithms developed to predict the effect of sequence changes on RNA splicing suggest that this variant may disrupt the consensus splice site. In summary, the available evidence is currently insufficient to determine the role of this variant in disease. Therefore, it has been classified as a Variant of Uncertain Significance.